The following is an entry in ClinVar:

ClinVar aggregate classification (germline): Pathogenic. Review status: criteria provided, single submitter (1 of 4 stars). 2 submissions from 2 submitters: Pathogenic (1). 1 of the submissions does not count toward it.

Conditions:
Intellectual developmental disorder, X-linked, syndromic 33. Also called: Intellectual disability, X-linked, syndromic 33; X-linked intellectual disability-global development delay-facial dysmorphism-sacral caudal remnant syndrome. Identifiers: Orphanet 480907, MedGen C4225418, MONDO:0010500, OMIM 300966.

Submissions (2):

Bondeson Group, Uppsala University
Classification: Pathogenic for Intellectual developmental disorder, X-linked, syndromic 33. Review status: criteria provided, single submitter. Criteria: ACMG Guidelines, 2015. Collection method: research, in vivo. Allele origin: maternal, not applicable. Inheritance: X-linked recessive inheritance. Affected: yes. Observed: 7 variant alleles, 5 heterozygotes, 2 hemizygotes. Clinical features observed: Intellectual disability (HP:0001249), Long face (HP:0000276), Pointed chin (HP:0000307), Low-set ears (HP:0000369), Macrotia (HP:0000400), Protruding ear (HP:0000411), Prominent forehead (HP:0011220), Short neck (HP:0000470), Long philtrum (HP:0000343), Large hands (HP:0001176), Kyphosis (HP:0002808), Prominent supraorbital ridges (HP:0000336), and 4 more.
Comment: The p.Arg1190Cys variant has been reported in two affected males of a large kindred of 5 generations. The variant is confirmed to segregate with the phenotype in 17 family members of three generations. Female carrier show skewed X-chromosome inactivation.

Genome Medicine, Institute for Basic Research in Developmental Disabilities
Classification: Likely pathogenic for Intellectual developmental disorder, X-linked, syndromic 33. Last evaluated: 2019-09-23. Review status: no assertion criteria provided. Collection method: clinical testing. Allele origin: de novo. Affected: yes. Not counted in ClinVar's aggregate classification.

NM_004606.5(TAF1):c.3508C>T (p.Arg1170Cys)

Gene: TAF1 (TATA-box binding protein associated factor 1; plus strand). Cytogenetic location: Xq13.1.
Variant type: single nucleotide variant.
Coding change: c.3508C>T on transcript NM_004606.5 (MANE Select); coding-DNA position 3508, C replaced by T.
Protein change: p.Arg1170Cys; replaces arginine 1170 with cysteine.
Molecular consequence: missense variant. On other transcripts: non-coding transcript variant (9).
Genome position (GRCh38, 1-based): chrX:71,397,354, C>T. VCF-style: chrX-71397354-C-T. GRCh37 (hg19) VCF-style: chrX-70617204-C-T.
Other names: c.3508C>T, p.Arg1170Cys (NM_001286074.2); c.3445C>T, p.Arg1149Cys (NM_138923.4); short protein forms R1190C, R1149C, R1170C.
Identifiers: ClinVar variation 599303 (VCV000599303.6), dbSNP rs1569301036, ClinGen allele CA413530602.
Genomic context (GRCh38, chrX:71,397,354, plus strand): 5'-GACACAGCTTCCGTGACTAGCCTTAACTCTTCTGCCACTGGACGCTGTCTCAAGATTTAT[C>T]GCACGTTTCGAGATGAAGAGGGGAAAGAGTATGTTCGCTGTGAGACAGTCCGAAAACCAG-3'
Protein context (NP_004597.3, residues 1160-1180): SATGRCLKIY[Arg1170Cys]TFRDEEGKEY